The following is an entry in ClinVar:

NM_002471.4(MYH6):c.4763C>T (p.Ala1588Val)

Genes: MYH6 (myosin heavy chain 6; minus strand), LOC126861896 (BRD4-independent group 4 enhancer GRCh37_chr14:23854904-23856103; plus strand). Cytogenetic location: 14q11.2.
Variant type: single nucleotide variant.
Coding change: c.4763C>T on transcript NM_002471.4 (MANE Select); coding-DNA position 4763, C replaced by T.
Protein change: p.Ala1588Val; replaces alanine 1588 with valine.
Molecular consequence: missense variant.
Genome position (GRCh38, 1-based): chr14:23,386,511, G>A on the plus strand (C>T on the coding strand, the complement: MYH6 is on the minus strand). VCF-style: chr14-23386511-G-A. GRCh37 (hg19) VCF-style: chr14-23855720-G-A.
Other names: short protein forms A1588V.
Identifiers: ClinVar variation 2192166 (VCV002192166.4), dbSNP rs752070605, ClinGen allele CA388992277.
Genomic context (GRCh38, chr14:23,386,511, plus strand): 5'-CGTGTCTCTGCATCCAGGGAGGTCTGCAGCGAGTCCACCACCCGCTGGTGGTTGCGCTTG[G>A]CCTGTTCCATCTCCTCGTCCTTCTCTGCCAGCTTCCGCTCGATCTCTGCCTTGATCTGGT-3'
Protein context (NP_002462.2, residues 1578-1598): LAEKDEEMEQ[Ala1588Val]KRNHQRVVDS

ClinVar aggregate classification (germline): Uncertain significance (1 of 4 stars; one submission).

Conditions:
Hypertrophic cardiomyopathy 14. Identifiers: MedGen C2750467, MONDO:0013197, OMIM 613251.

Submission:

Labcorp Genetics (formerly Invitae), Labcorp
Classification: Uncertain significance for Hypertrophic cardiomyopathy 14. Last evaluated: 2022-01-21. Review status: criteria provided, single submitter. Criteria: Invitae Variant Classification Sherloc (09022015). Collection method: clinical testing. Allele origin: germline.
Comment: This variant is not present in population databases (gnomAD no frequency). This sequence change replaces alanine, which is neutral and non-polar, with valine, which is neutral and non-polar, at codon 1588 of the MYH6 protein (p.Ala1588Val). This variant has not been reported in the literature in individuals affected with MYH6-related conditions. Algorithms developed to predict the effect of missense changes on protein structure and function (SIFT, PolyPhen-2, Align-GVGD) all suggest that this variant is likely to be tolerated. Algorithms developed to predict the effect of sequence changes on RNA splicing suggest that this variant may create or strengthen a splice site. In summary, the available evidence is currently insufficient to determine the role of this variant in disease. Therefore, it has been classified as a Variant of Uncertain Significance.